The following is an entry in ClinVar:

NM_005619.5(RTN2):c.49A>G (p.Thr17Ala)

Genes: OPA3-RTN2 (OPA3-RTN2 readthrough; minus strand), RTN2 (reticulon 2; minus strand). Cytogenetic location: 19q13.32.
Variant type: single nucleotide variant.
Coding change: c.49A>G on transcript NM_005619.5 (MANE Select); coding-DNA position 49, A replaced by G.
Protein change: p.Thr17Ala; replaces threonine 17 with alanine.
Molecular consequence: missense variant.
Genome position (GRCh38, 1-based): chr19:45,495,125, T>C on the plus strand (A>G on the coding strand, the complement: RTN2 is on the minus strand). VCF-style: chr19-45495125-T-C. GRCh37 (hg19) VCF-style: chr19-45998383-T-C.
Other names: c.49A>G, p.Thr17Ala (NM_206900.3); short protein forms T17A.
Identifiers: ClinVar variation 3571800 (VCV003571800.1).

ClinVar aggregate classification (germline): Uncertain significance (1 of 4 stars; one submission).

gnomAD v4.1: 2 of 1,614,150 alleles (0.00012%); highest among the groups gnomAD compares: Non-Finnish European, 0.00017%; no homozygotes.

Submission:

Athena Diagnostics
Classification: Uncertain significance. Last evaluated: 2024-02-01. Review status: criteria provided, single submitter. Criteria: Athena Diagnostics Criteria. Collection method: clinical testing. Allele origin: unknown.
Comment: Available data are insufficient to determine the clinical significance of the variant at this time. This variant has been identified in at least one individual tested at Athena Diagnostics with clinical features associated with this gene. This variant has not been reported in large, multi-ethnic general populations. Computational tools disagree on the variant's effect on normal protein function.